The following is an entry in ClinVar:

NM_000553.6(WRN):c.3343T>A (p.Cys1115Ser)

Gene: WRN (WRN RecQ like helicase; plus strand). Cytogenetic location: 8p12.
Variant type: single nucleotide variant.
Coding change: c.3343T>A on transcript NM_000553.6 (MANE Select); coding-DNA position 3343, T replaced by A.
Protein change: p.Cys1115Ser; replaces cysteine 1115 with serine.
Molecular consequence: missense variant.
Genome position (GRCh38, 1-based): chr8:31,143,583, T>A. VCF-style: chr8-31143583-T-A. GRCh37 (hg19) VCF-style: chr8-31001099-T-A.
Other names: short protein forms C1115S.
Identifiers: ClinVar variation 362813 (VCV000362813.9), dbSNP rs886062893, ClinGen allele CA10630915.

ClinVar aggregate classification (germline): Uncertain significance. Review status: criteria provided, multiple submitters, no conflicts (2 of 4 stars). 2 submissions from 2 submitters: Uncertain significance (2). Last evaluated 2023-11-24.

Conditions:
Werner syndrome (WRN). Identifiers: Orphanet 902, MedGen C0043119, MONDO:0010196, OMIM 277700.

Allele frequency attached by ClinVar (database versions not stated): gnomAD exomes 0.00001.
gnomAD v4.1: 17 of 1,590,684 alleles (0.0011%); highest among the groups gnomAD compares: Non-Finnish European, 0.0015%; no homozygotes.

Submissions (2):

Labcorp Genetics (formerly Invitae), Labcorp
Classification: Uncertain significance for Werner syndrome. Last evaluated: 2023-11-24. Review status: criteria provided, single submitter. Criteria: Invitae Variant Classification Sherloc (09022015). Collection method: clinical testing. Allele origin: germline.
Comment: This sequence change replaces cysteine, which is neutral and slightly polar, with serine, which is neutral and polar, at codon 1115 of the WRN protein (p.Cys1115Ser). This variant is present in population databases (no rsID available, gnomAD 0.0009%). This variant has not been reported in the literature in individuals affected with WRN-related conditions. ClinVar contains an entry for this variant (Variation ID: 362813). Algorithms developed to predict the effect of missense changes on protein structure and function output the following: SIFT: "Not Available"; PolyPhen-2: "Benign"; Align-GVGD: "Not Available". The serine amino acid residue is found in multiple mammalian species, which suggests that this missense change does not adversely affect protein function. RNA analysis performed to evaluate the impact of this missense change on mRNA splicing indicates it does not significantly alter splicing (Invitae). In summary, the available evidence is currently insufficient to determine the role of this variant in disease. Therefore, it has been classified as a Variant of Uncertain Significance.

Illumina Laboratory Services, Illumina
Classification: Uncertain significance for Werner syndrome. Last evaluated: 2018-01-13. Review status: criteria provided, single submitter. Criteria: ICSL Variant Classification Criteria 13 December 2019. Collection method: clinical testing. Allele origin: germline.